The following is an entry in ClinVar:

NM_001142800.2(EYS):c.8643C>G (p.Tyr2881Ter)

Genes: EYS (EGF-like photoreceptor maintenance factor; minus strand), PHF3 (PHD finger protein 3; plus strand). Cytogenetic location: 6q12.
Variant type: single nucleotide variant.
Coding change: c.8643C>G on transcript NM_001142800.2 (MANE Select); coding-DNA position 8643, C replaced by G.
Protein change: p.Tyr2881Ter; replaces tyrosine 2881 with a stop codon.
Molecular consequence: nonsense. On other transcripts: 3 prime UTR variant (5).
Genome position (GRCh38, 1-based): chr6:63,721,388, G>C on the plus strand (C>G on the coding strand, the complement: EYS is on the minus strand). VCF-style: chr6-63721388-G-C. GRCh37 (hg19) VCF-style: chr6-64431284-G-C.
Other names: c.*7680G>C (NM_001290259.2, NM_001370348.2, NM_001370349.2 and 2 more transcripts); c.8706C>G, p.Tyr2902Ter (NM_001292009.2); c.8643C>G (NM_001142800.1); short protein forms Y2881*, Y2902*.
Identifiers: ClinVar variation 2823467 (VCV002823467.4), dbSNP rs2533390789, ClinGen allele CA364384302.

ClinVar aggregate classification (germline): Pathogenic/Likely pathogenic. Review status: criteria provided, multiple submitters, no conflicts (2 of 4 stars). 2 submissions from 2 submitters: Pathogenic (1); Likely pathogenic (1). Last evaluated 2025-10-27.

Conditions:
Retinitis pigmentosa 25 (RP25). Identifiers: Orphanet 791, MedGen C1864446, MONDO:0011272, OMIM 602772.

Submissions (2):

Natera, Inc.
Classification: Likely pathogenic for Retinitis pigmentosa type 25. Last evaluated: 2025-10-27. Review status: criteria provided, single submitter. Criteria: Natera Variant Classification Schema (03/2026). Collection method: clinical testing. Allele origin: germline.
Comment: The c.8643C>G variant in EYS is a nonsense variant predicted to introduce a stop codon at amino acid 2881. This variant is expected to result in nonsense mediated decay, truncation, or a dysfunctional protein product. This variant is rare in the general population with a frequency below the threshold expected for the associated phenotype(s). Given the available evidence, this variant is classified as Likely Pathogenic.

Labcorp Genetics (formerly Invitae), Labcorp
Classification: Pathogenic. Last evaluated: 2023-07-31. Review status: criteria provided, single submitter. Criteria: Invitae Variant Classification Sherloc (09022015). Collection method: clinical testing. Allele origin: germline.
Comment: For these reasons, this variant has been classified as Pathogenic. This variant disrupts a region of the EYS protein in which other variant(s) (p.Tyr2935*) have been determined to be pathogenic (PMID: 22302105, 22363543, 24652164, 25324289, 26161267). This suggests that this is a clinically significant region of the protein, and that variants that disrupt it are likely to be disease-causing. This sequence change creates a premature translational stop signal (p.Tyr2881*) in the EYS gene. While this is not anticipated to result in nonsense mediated decay, it is expected to disrupt the last 264 amino acid(s) of the EYS protein. This variant is not present in population databases (gnomAD no frequency). This variant has not been reported in the literature in individuals affected with EYS-related conditions.

Literature cited by the submitters: PubMed 22302105 (cited by Labcorp Genetics (formerly Invitae), Labcorp); PubMed 22363543 (cited by Labcorp Genetics (formerly Invitae), Labcorp); PubMed 24652164 (cited by Labcorp Genetics (formerly Invitae), Labcorp); PubMed 25324289 (cited by Labcorp Genetics (formerly Invitae), Labcorp); PubMed 26161267 (cited by Labcorp Genetics (formerly Invitae), Labcorp).